The following is an entry in ClinVar:

ClinVar aggregate classification (germline): Uncertain significance (0 of 4 stars; one submission).

Conditions:
KIDINS220-related disorder. Also called: KIDINS220-related condition.

gnomAD v4.1: 25 of 1,614,006 alleles (0.0015%); highest among the groups gnomAD compares: Non-Finnish European, 0.0019%; no homozygotes.

Submission:

PreventionGenetics, part of Exact Sciences
Classification: Uncertain significance for KIDINS220-related condition. Last evaluated: 2023-12-14. Review status: no assertion criteria provided. Collection method: clinical testing. Allele origin: germline.
Comment: The KIDINS220 c.3932A>G variant is predicted to result in the amino acid substitution p.Asn1311Ser. To our knowledge, this variant has not been reported in the literature or in a large population database, indicating this variant is rare. At this time, the clinical significance of this variant is uncertain due to the absence of conclusive functional and genetic evidence.

NM_020738.4(KIDINS220):c.3932A>G (p.Asn1311Ser)

Gene: KIDINS220 (kinase D interacting substrate 220; minus strand). Cytogenetic location: 2p25.1.
Variant type: single nucleotide variant.
Coding change: c.3932A>G on transcript NM_020738.4 (MANE Select); coding-DNA position 3932, A replaced by G.
Protein change: p.Asn1311Ser; replaces asparagine 1311 with serine.
Molecular consequence: missense variant. On other transcripts: non-coding transcript variant (2).
Genome position (GRCh38, 1-based): chr2:8,733,565, T>C on the plus strand (A>G on the coding strand, the complement: KIDINS220 is on the minus strand). VCF-style: chr2-8733565-T-C. GRCh37 (hg19) VCF-style: chr2-8873695-T-C.
Other names: c.3935A>G, p.Asn1312Ser (NM_001348729.2); c.3878A>G, p.Asn1293Ser (NM_001348731.2); c.3875A>G, p.Asn1292Ser (NM_001348732.2, NM_001348738.2); c.3764A>G, p.Asn1255Ser (NM_001348734.2, NM_001348739.2, NM_001348740.2); c.3761A>G, p.Asn1254Ser (NM_001348735.2, NM_001348741.2, NM_001348742.2 and 1 more transcripts); c.3635A>G, p.Asn1212Ser (NM_001348736.2); short protein forms N1212S, N1254S, N1255S, N1292S, N1293S, N1311S, N1312S.
Identifiers: ClinVar variation 3348837 (VCV003348837.1).